The following is an entry in ClinVar:

ClinVar aggregate classification (germline): Conflicting classifications of pathogenicity. Review status: criteria provided, conflicting classifications (1 of 4 stars). 2 submissions from 2 submitters: Likely pathogenic (1); Uncertain significance (1). Last evaluated 2016-11-29.

Allele frequency attached by ClinVar (database versions not stated): gnomAD exomes below 0.00001; gnomAD 0.00001.
gnomAD v4.1: 2 of 1,608,376 alleles (0.00012%); highest among the groups gnomAD compares: African/African-American, 0.0013%; no homozygotes.

Submissions (2):

Eurofins Ntd Llc (ga)
Classification: Uncertain significance. Last evaluated: 2016-11-29. Review status: criteria provided, single submitter. Criteria: EGL Classification Definitions 2015. Collection method: clinical testing. Allele origin: germline. Observed: 1 variant allele, 1 heterozygote.

GeneDx
Classification: Likely pathogenic. Last evaluated: 2014-07-01. Review status: criteria provided, single submitter. Criteria: GeneDx Variant Classification (06012015). Collection method: clinical testing. Allele origin: germline. Affected: yes.
Comment: A novel F328Y variant that is likely pathogenic was identified in the LIAS gene. It has not been published as a pathogenic variant, nor has it been reported as a benign polymorphism to our knowledge. The F328Y variant is a non-conservative amino acid substitution, which is likely to impact secondary protein structure as these residues differ in polarity, charge, size and/or other properties. This substitution occurs at a position that is highly conserved across species. In silico analysis predicts this variant is probably damaging to the protein structure/function. Therefore, this is a strong candidate for a pathogenic variant, however the possibility that it is a benign variant cannot be excluded.

NM_006859.4(LIAS):c.983T>A (p.Phe328Tyr)

Gene: LIAS (lipoic acid synthetase; plus strand). Cytogenetic location: 4p14.
Variant type: single nucleotide variant.
Coding change: c.983T>A on transcript NM_006859.4 (MANE Select); coding-DNA position 983, T replaced by A.
Protein change: p.Phe328Tyr; replaces phenylalanine 328 with tyrosine.
Molecular consequence: missense variant. On other transcripts: intron variant (1).
Genome position (GRCh38, 1-based): chr4:39,473,128, T>A. VCF-style: chr4-39473128-T-A. GRCh37 (hg19) VCF-style: chr4-39474748-T-A.
Other names: c.854T>A, p.Phe285Tyr (NM_001278590.2); c.674T>A, p.Phe225Tyr (NM_001363700.2); c.954+1822T>A (NM_194451.3); short protein forms F328Y, F285Y, F225Y.
Identifiers: ClinVar variation 418284 (VCV000418284.7), dbSNP rs1064793165, ClinGen allele CA16618046.